The following is an entry in ClinVar:

NM_004656.4(BAP1):c.598G>A (p.Glu200Lys)

Gene: BAP1 (BRCA1 associated deubiquitinase 1; minus strand). Cytogenetic location: 3p21.1.
Variant type: single nucleotide variant.
Coding change: c.598G>A on transcript NM_004656.4 (MANE Select); coding-DNA position 598, G replaced by A.
Protein change: p.Glu200Lys; replaces glutamic acid 200 with lysine.
Molecular consequence: missense variant.
Genome position (GRCh38, 1-based): chr3:52,406,890, C>T on the plus strand (G>A on the coding strand, the complement: BAP1 is on the minus strand). VCF-style: chr3-52406890-C-T. GRCh37 (hg19) VCF-style: chr3-52440906-C-T.
Other names: c.598G>A (NM_004656.2); short protein forms E200K.
Identifiers: ClinVar variation 631113 (VCV000631113.12), dbSNP rs867342588, ClinGen allele CA353109119.
Genomic context (GRCh38, chr3:52,406,890, plus strand): 5'-CTGCAGTGGCGAGGCCGATACGCTCCATGATGACCCGCCGGGCCTTGTCTGTCCACTCCT[C>T]GTCCTCCCCCCAGGGCCCTAGTGGAGACCAAGACAAGGAATCAGCGAGAAGGAAACCCTG-3'
Protein context (NP_004647.1, residues 190-210): PIDHGPWGED[Glu200Lys]EWTDKARRVI

ClinVar aggregate classification (germline): Uncertain significance. Review status: criteria provided, multiple submitters, no conflicts (2 of 4 stars). 4 submissions from 4 submitters: Uncertain significance (3). 1 of the submissions does not count toward it. Last evaluated 2024-12-22.

Conditions:
Hereditary cancer-predisposing syndrome. Also called: Tumor predisposition; Neoplastic Syndromes, Hereditary; Hereditary neoplastic syndrome; Hereditary Cancer Syndrome. Identifiers: Orphanet 140162, MedGen C0027672, MeSH D009386, MONDO:0015356.
BAP1-related disorder. Also called: BAP1-related condition.
BAP1-related tumor predisposition syndrome (TPDS1). Also called: Tumor susceptibility linked to germline BAP1 mutations; BAP1 tumor predisposition syndrome; COMMON Syndrome; TUMOR PREDISPOSITION SYNDROME 1. Identifiers: Orphanet 289539, MedGen C3280492, MONDO:0013692, OMIM 614327.

Allele frequency attached by ClinVar (database versions not stated): gnomAD exomes below 0.00001; gnomAD 0.00001.
gnomAD v4.1: 3 of 1,571,162 alleles (0.00019%); highest among the groups gnomAD compares: African/African-American, 0.0014%; no homozygotes.

Submissions (4):

Labcorp Genetics (formerly Invitae), Labcorp
Classification: Uncertain significance for BAP1-related tumor predisposition syndrome. Last evaluated: 2024-12-22. Review status: criteria provided, single submitter. Criteria: Invitae Variant Classification Sherloc (09022015). Collection method: clinical testing. Allele origin: germline.
Comment: This sequence change replaces glutamic acid, which is acidic and polar, with lysine, which is basic and polar, at codon 200 of the BAP1 protein (p.Glu200Lys). This variant is present in population databases (no rsID available, gnomAD 0.005%). This variant has not been reported in the literature in individuals affected with BAP1-related conditions. ClinVar contains an entry for this variant (Variation ID: 631113). Invitae Evidence Modeling of protein sequence and biophysical properties (such as structural, functional, and spatial information, amino acid conservation, physicochemical variation, residue mobility, and thermodynamic stability) indicates that this missense variant is expected to disrupt BAP1 protein function with a positive predictive value of 80%. In summary, the available evidence is currently insufficient to determine the role of this variant in disease. Therefore, it has been classified as a Variant of Uncertain Significance.

Ambry Genetics
Classification: Uncertain significance for Hereditary cancer-predisposing syndrome. Last evaluated: 2023-12-15. Review status: criteria provided, single submitter. Criteria: Ambry Variant Classification Scheme 2023. Collection method: clinical testing. Allele origin: germline.
Comment: The p.E200K variant (also known as c.598G>A), located in coding exon 8 of the BAP1 gene, results from a G to A substitution at nucleotide position 598. The glutamic acid at codon 200 is replaced by lysine, an amino acid with similar properties. This amino acid position is highly conserved in available vertebrate species. In addition, the in silico prediction for this alteration is inconclusive. Since supporting evidence is limited at this time, the clinical significance of this alteration remains unclear.

Color Diagnostics, LLC DBA Color Health
Classification: Uncertain significance for Hereditary cancer-predisposing syndrome. Last evaluated: 2018-12-30. Review status: criteria provided, single submitter. Criteria: ACMG Guidelines, 2015. Collection method: clinical testing. Allele origin: germline.

PreventionGenetics, part of Exact Sciences
Classification: Uncertain significance for BAP1-related condition. Last evaluated: 2024-08-01. Review status: no assertion criteria provided. Collection method: clinical testing. Allele origin: germline. Not counted in ClinVar's aggregate classification.
Comment: The BAP1 c.598G>A variant is predicted to result in the amino acid substitution p.Glu200Lys. To our knowledge, this variant has not been reported in the literature. This variant is reported in 0.0051% of alleles in individuals of African descent in gnomAD. At this time, the clinical significance of this variant is uncertain due to the absence of conclusive functional and genetic evidence.